The following is an entry in ClinVar:

NM_001365276.2(TNXB):c.8014G>T (p.Val2672Leu)

Gene: TNXB (tenascin XB; minus strand). Cytogenetic location: 6p21.33.
Variant type: single nucleotide variant.
Coding change: c.8014G>T on transcript NM_001365276.2 (MANE Select); coding-DNA position 8014, G replaced by T.
Protein change: p.Val2672Leu; replaces valine 2672 with leucine.
Molecular consequence: missense variant.
Genome position (GRCh38, 1-based): chr6:32,056,715, C>A on the plus strand (G>T on the coding strand, the complement: TNXB is on the minus strand). VCF-style: chr6-32056715-C-A. GRCh37 (hg19) VCF-style: chr6-32024492-C-A.
Other names: c.8755G>T, p.Val2919Leu (NM_001428335.1); c.8014G>T, p.Val2672Leu (NM_019105.8); short protein forms V2919L, V2672L.
Identifiers: ClinVar variation 3809326 (VCV003809326.1).

ClinVar aggregate classification (germline): Uncertain significance (1 of 4 stars; one submission).

Conditions:
Cardiovascular phenotype. Identifiers: MedGen CN230736.

Submission:

Ambry Genetics
Classification: Uncertain significance for Cardiovascular phenotype. Last evaluated: 2025-01-06. Review status: criteria provided, single submitter. Criteria: Ambry Variant Classification Scheme 2023. Collection method: clinical testing. Allele origin: germline.
Comment: The p.V2672L variant (also known as c.8014G>T), located in coding exon 22 of the TNXB gene, results from a G to T substitution at nucleotide position 8014. The valine at codon 2672 is replaced by leucine, an amino acid with highly similar properties. This amino acid position is conserved. In addition, this alteration is predicted to be tolerated by in silico analysis. Based on the available evidence, the clinical significance of this variant remains unclear.